The following is an entry in ClinVar:

ClinVar aggregate classification (germline): Uncertain significance. Review status: criteria provided, multiple submitters, no conflicts (2 of 4 stars). 2 submissions from 2 submitters: Uncertain significance (2). Last evaluated 2025-09-14.

Conditions:
Candidiasis, familial, 9 (CANDF9). Identifiers: Orphanet 1334, MedGen C4225324, MONDO:0014642, OMIM 616445.

Allele frequency attached by ClinVar (database versions not stated): gnomAD exomes 0.00003 and 0.00004; TOPMed 0.00003; gnomAD 0.00004; ExAC 0.00006.
gnomAD v4.1: 44 of 1,602,228 alleles (0.0027%); highest among the groups gnomAD compares: African/African-American, 0.011%; no homozygotes.

Submissions (2):

Labcorp Genetics (formerly Invitae), Labcorp
Classification: Uncertain significance for Candidiasis, familial, 9. Last evaluated: 2025-09-14. Review status: criteria provided, single submitter. Criteria: Invitae Variant Classification Sherloc (09022015). Collection method: clinical testing. Allele origin: germline.
Comment: This sequence change replaces glycine, which is neutral and non-polar, with arginine, which is basic and polar, at codon 784 of the IL17RC protein (p.Gly784Arg). This variant is present in population databases (rs781031468, gnomAD 0.01%). This variant has not been reported in the literature in individuals affected with IL17RC-related conditions. ClinVar contains an entry for this variant (Variation ID: 1518140). Experimental studies and prediction algorithms are not available or were not evaluated, and the functional significance of this variant is currently unknown. In summary, the available evidence is currently insufficient to determine the role of this variant in disease. Therefore, it has been classified as a Variant of Uncertain Significance.

Ambry Genetics
Classification: Uncertain significance. Last evaluated: 2022-12-13. Review status: criteria provided, single submitter. Criteria: Ambry Variant Classification Scheme 2023. Collection method: clinical testing. Allele origin: germline.

NM_153460.4(IL17RC):c.2137G>A (p.Gly713Arg)

Genes: IL17RC (interleukin 17 receptor C; plus strand), LOC129936144 (ATAC-STARR-seq lymphoblastoid silent region 14051; plus strand). Cytogenetic location: 3p25.3.
Variant type: single nucleotide variant.
Coding change: c.2137G>A on transcript NM_153460.4 (MANE Select); coding-DNA position 2137, G replaced by A.
Protein change: p.Gly713Arg; replaces glycine 713 with arginine.
Molecular consequence: missense variant. On other transcripts: non-coding transcript variant (1).
Genome position (GRCh38, 1-based): chr3:9,933,567, G>A. VCF-style: chr3-9933567-G-A. GRCh37 (hg19) VCF-style: chr3-9975251-G-A.
Other names: c.2350G>A (NM_153461.3); c.2098G>A, p.Gly700Arg (NM_001203263.2); c.2047G>A, p.Gly683Arg (NM_001203264.2); c.2041G>A, p.Gly681Arg (NM_001203265.2); c.2059G>A, p.Gly687Arg (NM_001367278.1); c.1978G>A, p.Gly660Arg (NM_001367279.1); c.2053G>A, p.Gly685Arg (NM_001367280.1); c.2092G>A, p.Gly698Arg (NM_032732.6); and 1 more; short protein forms G660R, G683R, G713R, G698R, G700R, G685R, G687R, G681R.
Identifiers: ClinVar variation 1518140 (VCV001518140.9), dbSNP rs781031468, ClinGen allele CA2247509.
Genomic context (GRCh38, chr3:9,933,567, plus strand): 5'-GATAGCTACTTCCATCCCCCGGGGACTCCCGCGCCGGGACGCGGGGTGGGACCAGGCGCG[G>A]GACCTGGGGCGGGGGACGGGACTTAAATAAAGGCAGACGCTGTTTTTCTACCCATGTGGC-3'
Protein context (NP_703190.2, residues 703-720): APGRGVGPGA[Gly713Arg]PGAGDGT